The following is an entry in ClinVar:

NM_006031.6(PCNT):c.3464+9G>A

Gene: PCNT (pericentrin; plus strand). Cytogenetic location: 21q22.3.
Variant type: single nucleotide variant.
Coding change: c.3464+9G>A on transcript NM_006031.6 (MANE Select); 9 bases into the intron after coding-DNA position 3464, G replaced by A.
Molecular consequence: intron variant.
Genome position (GRCh38, 1-based): chr21:46,385,992, G>A. VCF-style: chr21-46385992-G-A. GRCh37 (hg19) VCF-style: chr21-47805907-G-A.
Other names: c.3110+9G>A (NM_001315529.2).
Identifiers: ClinVar variation 4994736 (VCV004994736.1).

ClinVar aggregate classification (germline): Likely benign (1 of 4 stars; one submission).

Conditions:
PCNT-related disorder. Also called: PCNT-related condition.

gnomAD v4.1: 2 of 1,613,730 alleles (0.00012%); highest among the groups gnomAD compares: African/African-American, 0.0027%; no homozygotes.

Submission:

PreventionGenetics, part of Exact Sciences
Classification: Likely benign for PCNT-related condition. Last evaluated: 2026-07-14. Review status: criteria provided, single submitter. Criteria: ACMG Guidelines, 2015. Collection method: clinical testing. Allele origin: germline.
Comment: This variant is classified as likely benign based on ACMG/AMP sequence variant interpretation guidelines (Richards et al. 2015 PMID: 25741868, with internal and published modifications).